The following is an entry in ClinVar:

NM_182961.4(SYNE1):c.21602G>A (p.Cys7201Tyr)

Genes: SYNE1 (spectrin repeat containing nuclear envelope protein 1; minus strand), LOC126859836 (MED14-independent group 3 enhancer GRCh37_chr6:152542272-152543471; plus strand). Cytogenetic location: 6q25.2.
Variant type: single nucleotide variant.
Coding change: c.21602G>A on transcript NM_182961.4 (MANE Select); coding-DNA position 21602, G replaced by A.
Protein change: p.Cys7201Tyr; replaces cysteine 7201 with tyrosine.
Molecular consequence: missense variant.
Genome position (GRCh38, 1-based): chr6:152,221,480, C>T on the plus strand (G>A on the coding strand, the complement: SYNE1 is on the minus strand). VCF-style: chr6-152221480-C-T. GRCh37 (hg19) VCF-style: chr6-152542615-C-T.
Other names: c.21389G>A, p.Cys7130Tyr (NM_033071.5); short protein forms C7201Y, C7130Y.
Identifiers: ClinVar variation 471023 (VCV000471023.10), dbSNP rs794727041, ClinGen allele CA366106117.
Genomic context (GRCh38, chr6:152,221,480, plus strand): 5'-CCATACCTCATGTTGACTTCTTTCAGTGTATTGGTAAGAGTTTCTGTCACGGGTGGGTGA[C>T]ACTCTTTTAATAATTGGTTGGTGATAGAGCCAAATTTCTGTAAGCTCCTTTCCTGTTTTT-3'
Protein context (NP_892006.3, residues 7191-7211): GSITNQLLKE[Cys7201Tyr]HPPVTETLTN

ClinVar aggregate classification (germline): Uncertain significance (1 of 4 stars; one submission).

Conditions:
Emery-Dreifuss muscular dystrophy 4, autosomal dominant (EDMD4). Also called: EMERY-DREIFUSS MUSCULAR DYSTROPHY 4 WITH VARIABLE FEATURES. Identifiers: Orphanet 261, MedGen C2751807, MONDO:0013071, OMIM 612998.
Autosomal recessive ataxia, Beauce type. Also called: SYNE1-Related Autosomal Recessive Cerebellar Ataxia; Spinocerebellar ataxia, autosomal recessive 8; ATAXIA, RECESSIVE, OF BEAUCE; SYNE1 Deficiency. Identifiers: Orphanet 88644, MedGen C1853116, MONDO:0012549, OMIM 610743.

Allele frequency attached by ClinVar (database versions not stated): TOPMed 0.00001.
gnomAD v4.1: 33 of 1,613,854 alleles (0.002%); highest among the groups gnomAD compares: Non-Finnish European, 0.0027%; no homozygotes.

Submission:

Labcorp Genetics (formerly Invitae), Labcorp
Classification: Uncertain significance for Emery-Dreifuss muscular dystrophy 4, autosomal dominant; Autosomal recessive ataxia, Beauce type. Last evaluated: 2021-08-05. Review status: criteria provided, single submitter. Criteria: Invitae Variant Classification Sherloc (09022015). Collection method: clinical testing. Allele origin: germline.
Comment: This sequence change replaces cysteine with tyrosine at codon 7130 of the SYNE1 protein (p.Cys7130Tyr). The cysteine residue is highly conserved and there is a large physicochemical difference between cysteine and tyrosine. This variant is not present in population databases (ExAC no frequency) and has not been reported in the literature in individuals with a SYNE1-related disease. Algorithms developed to predict the effect of missense changes on protein structure and function (SIFT, PolyPhen-2, Align-GVGD) all suggest that this variant is likely to be disruptive, but these predictions have not been confirmed by published functional studies. In summary, this variant is a novel missense change with uncertain impact on protein function. It has been classified as a Variant of Uncertain Significance.